The following is an entry in ClinVar:

NM_001321075.3(DLG4):c.1580C>T (p.Thr527Met)

Gene: DLG4 (discs large MAGUK scaffold protein 4; minus strand). Cytogenetic location: 17p13.1.
Variant type: single nucleotide variant.
Coding change: c.1580C>T on transcript NM_001321075.3 (MANE Select); coding-DNA position 1580, C replaced by T.
Protein change: p.Thr527Met; replaces threonine 527 with methionine.
Molecular consequence: missense variant. On other transcripts: non-coding transcript variant (1).
Genome position (GRCh38, 1-based): chr17:7,193,678, G>A on the plus strand (C>T on the coding strand, the complement: DLG4 is on the minus strand). VCF-style: chr17-7193678-G-A. GRCh37 (hg19) VCF-style: chr17-7096997-G-A.
Other names: c.1571C>T, p.Thr524Met (NM_001128827.4); c.1700C>T, p.Thr567Met (NM_001321074.1); c.1400C>T, p.Thr467Met (NM_001321076.3, NM_001321077.3); c.1709C>T, p.Thr570Met (NM_001365.5); c.1499C>T, p.Thr500Met (NM_001369566.3); short protein forms T467M, T500M, T524M, T527M, T567M, T570M.
Identifiers: ClinVar variation 4874031 (VCV004874031.2).
Genomic context (GRCh38, chr17:7,193,678, plus strand): 5'-GGTTGGGGGAGCAGCAAGTGCTGGGGCCAAGGCAGGGGCCAGGGCTCACCTTCCATCTGC[G>A]TCACTGTCTCGTAGCTCAGAACCGAGTCTTCTCGACCTGGTGGGAGGTGGGGCATCTGCA-3'
Protein context (NP_001308004.1, residues 517-537): EDSVLSYETV[Thr527Met]QMEVHYARPI

ClinVar aggregate classification (germline): Likely benign (1 of 4 stars; one submission).

gnomAD v4.1: 10 of 1,552,484 alleles (0.00064%); highest among the groups gnomAD compares: Admixed American, 0.0019%; no homozygotes.

Submission:

CeGaT Center for Human Genetics Tuebingen
Classification: Likely benign. Last evaluated: 2026-06-01. Review status: criteria provided, single submitter. Criteria: CeGaT Center For Human Genetics Tuebingen Variant Classification Criteria Version 2. Collection method: clinical testing. Allele origin: germline. Affected: yes. Observed: 1 variant allele.
Comment: DLG4: PP2, BS2